The following is an entry in ClinVar:

ClinVar aggregate classification (germline): Uncertain significance (1 of 4 stars; one submission).

Conditions:
Hereditary pheochromocytoma and paraganglioma. Also called: Hereditary paragangliomas and pheochromocytomas; Hereditary Paraganglioma-Pheochromocytoma Syndromes; Hereditary pheochromocytoma-paraganglioma. Identifiers: Orphanet 29072, MedGen C4274332, MONDO:0017366.

Submission:

Labcorp Genetics (formerly Invitae), Labcorp
Classification: Uncertain significance for Hereditary pheochromocytoma and paraganglioma. Last evaluated: 2024-07-21. Review status: criteria provided, single submitter. Criteria: Invitae Variant Classification Sherloc (09022015). Collection method: clinical testing. Allele origin: germline.
Comment: This sequence change replaces threonine, which is neutral and polar, with serine, which is neutral and polar, at codon 9 of the SDHAF2 protein (p.Thr9Ser). This variant is not present in population databases (gnomAD no frequency). This variant has not been reported in the literature in individuals affected with SDHAF2-related conditions. An algorithm developed to predict the effect of missense changes on protein structure and function (PolyPhen-2) suggests that this variant is likely to be tolerated. In summary, the available evidence is currently insufficient to determine the role of this variant in disease. Therefore, it has been classified as a Variant of Uncertain Significance.

NM_017841.4(SDHAF2):c.25A>T (p.Thr9Ser)

Gene: SDHAF2 (succinate dehydrogenase complex assembly factor 2; plus strand). Cytogenetic location: 11q12.2.
Variant type: single nucleotide variant.
Coding change: c.25A>T on transcript NM_017841.4 (MANE Select); coding-DNA position 25, A replaced by T.
Protein change: p.Thr9Ser; replaces threonine 9 with serine.
Molecular consequence: missense variant.
Genome position (GRCh38, 1-based): chr11:61,430,171, A>T. VCF-style: chr11-61430171-A-T. GRCh37 (hg19) VCF-style: chr11-61197643-A-T.
Other names: short protein forms T9S.
Identifiers: ClinVar variation 3701776 (VCV003701776.2).